The following is an entry in ClinVar:

ClinVar aggregate classification (germline): Benign/Likely benign. Review status: criteria provided, multiple submitters, no conflicts (2 of 4 stars). 12 submissions from 11 submitters: Benign (1); Likely benign (11). Last evaluated 2026-05-21.

Conditions:
Connective tissue disorder. Also called: Connective tissue disease. Identifiers: MedGen C0009782, MONDO:0003900.
Fibrochondrogenesis 2 (FBCG2). Identifiers: Orphanet 2021, MedGen C3281128, MONDO:0013795, OMIM 614524.
Otospondylomegaepiphyseal dysplasia, autosomal recessive (OSMEDB). Also called: CHONDRODYSTROPHY WITH SENSORINEURAL DEAFNESS; Insley-Astley syndrome. Identifiers: Orphanet 1427, MedGen CN034493, MONDO:0044206, OMIM 215150.

Allele frequency attached by ClinVar (database versions not stated): 1000 Genomes Project 30x 0.00062; 1000 Genomes Project 0.00080; ESP Exome Variant Server 0.00100; TOPMed 0.00120; gnomAD 0.00213.
gnomAD v4.1: 2,497 of 1,614,162 alleles (0.15%); highest among the groups gnomAD compares: Admixed American, 0.21%; 3 homozygotes.

Submissions (12):

Women's Health and Genetics/Laboratory Corporation of America, LabCorp
Classification: Likely benign. Last evaluated: 2026-05-21. Review status: criteria provided, single submitter. Criteria: LabCorp Variant Classification Summary - May 2015. Collection method: clinical testing. Allele origin: germline.
Comment: Variant summary: COL11A2 c.353G>C (p.Arg118Pro) results in a non-conservative amino acid change located in the Thrombospondin-like, N-terminal domain (IPR048287) of the encoded protein sequence. Algorithms developed to predict the effect of missense changes on protein structure and function are either unavailable or do not agree on the potential impact of this missense change. The variant allele was found at a frequency of 0.0021 in 251378 control chromosomes, predominantly at a frequency of 0.0031 within the Non-Finnish European subpopulation in the gnomAD database. The observed variant frequency within Non-Finnish European control individuals in the gnomAD database exceeds the estimated maximal expected allele frequency for disease-causing variants in COL11A2. c.353G>C has been reported in the literature in individuals affected with deafness and orofacial clefts, without strong evidence for causality (e.g. Johansson_2023, Diaz Perez_2023) . These reports do not provide unequivocal conclusions about association of the variant with COL11A2-Related Disorders. To our knowledge, no experimental evidence demonstrating an impact on protein function has been reported. The following publications have been ascertained in the context of this evaluation (PMID: 37350193, 36675424). ClinVar contains an entry for this variant (Variation ID: 162997). Based on the evidence outlined above, the variant was classified as likely benign.

Labcorp Genetics (formerly Invitae), Labcorp
Classification: Benign. Last evaluated: 2026-01-23. Review status: criteria provided, single submitter. Criteria: Invitae Variant Classification Sherloc (09022015). Collection method: clinical testing. Allele origin: germline.

CeGaT Center for Human Genetics Tuebingen
Classification: Likely benign. Last evaluated: 2025-07-01. Review status: criteria provided, single submitter. Criteria: CeGaT Center For Human Genetics Tuebingen Variant Classification Criteria Version 2. Collection method: clinical testing. Allele origin: germline. Affected: yes. Observed: 7 variant alleles.
Comment: COL11A2: BP4, BS1

Blueprint Genetics
Classification: Likely benign. Last evaluated: 2024-11-26. Review status: criteria provided, single submitter. Criteria: ACMG Guidelines, 2015. Collection method: clinical testing. Allele origin: germline.

ARUP Laboratories, Molecular Genetics and Genomics, ARUP Laboratories
Classification: Likely benign. Last evaluated: 2023-11-29. Review status: criteria provided, single submitter. Criteria: ARUP Molecular Germline Variant Investigation Process 2024. Collection method: clinical testing. Allele origin: germline.

GeneDx
Classification: Likely benign. Last evaluated: 2021-03-19. Review status: criteria provided, single submitter. Criteria: GeneDx Variant Classification Process June 2021. Collection method: clinical testing. Allele origin: germline. Affected: yes.
Comment: This variant is associated with the following publications: (PMID: 23804846, 27068579, 24036952, 28839234)

Genome Diagnostics Laboratory, The Hospital for Sick Children
Classification: Likely benign for Connective tissue disorder. Last evaluated: 2019-11-01. Review status: criteria provided, single submitter. Criteria: ACMG Guidelines, 2015. Collection method: clinical testing. Allele origin: germline.

Illumina Laboratory Services, Illumina
Classification: Likely benign for Otospondylomegaepiphyseal dysplasia, autosomal recessive. Last evaluated: 2018-01-12. Review status: criteria provided, single submitter. Criteria: ICSL Variant Classification Criteria 13 December 2019. Collection method: clinical testing. Allele origin: germline.
Comment: This variant was observed in the ICSL laboratory as part of a predisposition screen in an ostensibly healthy population. It had not been previously curated by ICSL or reported in the Human Gene Mutation Database (HGMD: prior to June 1st, 2018), and was therefore a candidate for classification through an automated scoring system. Utilizing variant allele frequency, disease prevalence and penetrance estimates, and inheritance mode, an automated score was calculated to assess if this variant is too frequent to cause the disease. Based on the score and internal cut-off values, a variant classified as likely benign is not then subjected to further curation. The score for this variant resulted in a classification of likely benign for this disease.

Illumina Laboratory Services, Illumina
Classification: Likely benign for Fibrochondrogenesis 2. Last evaluated: 2018-01-12. Review status: criteria provided, single submitter. Criteria: ICSL Variant Classification Criteria 13 December 2019. Collection method: clinical testing. Allele origin: germline.
Comment: the same text as in the submission from Illumina Laboratory Services, Illumina above.

Eurofins Ntd Llc (ga)
Classification: Likely benign. Last evaluated: 2017-05-11. Review status: criteria provided, single submitter. Criteria: EGL Classification Definitions 2015. Collection method: clinical testing. Allele origin: germline. Observed: 6 variant alleles, 6 heterozygotes.

Laboratory for Molecular Medicine, Mass General Brigham Personalized Medicine
Classification: Likely benign. Last evaluated: 2015-04-20. Review status: criteria provided, single submitter. Criteria: LMM Criteria. Collection method: clinical testing. Allele origin: germline. Observed: 3 variant alleles.
Comment: p.Arg118Pro in exon 3 of COL11A2: This variant is not expected to have clinical significance because it has been identified in 0.3% (225/66582) of European chro mosomes by the Exome Aggregation Consortium (ExAC, g; dbSNP rs41268014).

PreventionGenetics, part of Exact Sciences
Classification: Likely benign. Review status: criteria provided, single submitter. Criteria: ACMG Guidelines, 2015. Collection method: clinical testing. Allele origin: germline.

Literature cited by the submitters: PubMed 37350193 (cited by Women's Health and Genetics/Laboratory Corporation of America, LabCorp); PubMed 36675424 (cited by Women's Health and Genetics/Laboratory Corporation of America, LabCorp).

NM_080680.3(COL11A2):c.353G>C (p.Arg118Pro)

Gene: COL11A2 (collagen type XI alpha 2 chain; minus strand). Cytogenetic location: 6p21.32.
Variant type: single nucleotide variant.
Coding change: c.353G>C on transcript NM_080680.3 (MANE Select); coding-DNA position 353, G replaced by C.
Protein change: p.Arg118Pro; replaces arginine 118 with proline.
Molecular consequence: missense variant.
Genome position (GRCh38, 1-based): chr6:33,189,068, C>G on the plus strand (G>C on the coding strand, the complement: COL11A2 is on the minus strand). VCF-style: chr6-33189068-C-G. GRCh37 (hg19) VCF-style: chr6-33156845-C-G.
Other names: c.353G>C, p.Arg118Pro (NM_001163771.2, NM_080679.3, NM_080681.3); short protein forms R118P.
Identifiers: ClinVar variation 162997 (VCV000162997.75), dbSNP rs41268014, ClinGen allele CA175579.